The following is an entry in ClinVar:

ClinVar aggregate classification (germline): Uncertain significance (1 of 4 stars; one submission).

Allele frequency attached by ClinVar (database versions not stated): ExAC 0.00001; gnomAD exomes 0.00001; gnomAD 0.00005 and 0.00006; TOPMed 0.00014.
gnomAD v4.1: 16 of 1,612,840 alleles (0.00099%); highest among the groups gnomAD compares: Admixed American, 0.017%; no homozygotes.

Submission:

Labcorp Genetics (formerly Invitae), Labcorp
Classification: Uncertain significance. Last evaluated: 2024-10-26. Review status: criteria provided, single submitter. Criteria: Invitae Variant Classification Sherloc (09022015). Collection method: clinical testing. Allele origin: germline.
Comment: This sequence change replaces lysine, which is basic and polar, with arginine, which is basic and polar, at codon 338 of the RBP3 protein (p.Lys338Arg). This variant is present in population databases (rs782669247, gnomAD 0.003%). This variant has not been reported in the literature in individuals affected with RBP3-related conditions. ClinVar contains an entry for this variant (Variation ID: 861788). Invitae Evidence Modeling of protein sequence and biophysical properties (such as structural, functional, and spatial information, amino acid conservation, physicochemical variation, residue mobility, and thermodynamic stability) indicates that this missense variant is not expected to disrupt RBP3 protein function with a negative predictive value of 80%. In summary, the available evidence is currently insufficient to determine the role of this variant in disease. Therefore, it has been classified as a Variant of Uncertain Significance.

NM_002900.3(RBP3):c.1013A>G (p.Lys338Arg)

Gene: RBP3 (retinol binding protein 3; plus strand). Cytogenetic location: 10q11.22.
Variant type: single nucleotide variant.
Coding change: c.1013A>G on transcript NM_002900.3 (MANE Select); coding-DNA position 1013, A replaced by G.
Protein change: p.Lys338Arg; replaces lysine 338 with arginine.
Molecular consequence: missense variant.
Genome position (GRCh38, 1-based): chr10:47,349,497, A>G. VCF-style: chr10-47349497-A-G. GRCh37 (hg19) VCF-style: chr10-48389865-T-C.
Other names: short protein forms K338R.
Identifiers: ClinVar variation 861788 (VCV000861788.8), dbSNP rs782669247, ClinGen allele CA5487630.